The following is an entry in ClinVar:

ClinVar aggregate classification (germline): Benign. Review status: criteria provided, multiple submitters, no conflicts (2 of 4 stars). 2 submissions from 2 submitters: Benign (2). Last evaluated 2018-06-16.

Allele frequency attached by ClinVar (database versions not stated): 1000 Genomes Project 0.01977; 1000 Genomes Project 30x 0.02155; gnomAD 0.05081 and 0.04863; ESP Exome Variant Server 0.05682; gnomAD exomes 0.06964 and 0.04710; TOPMed 0.04901; ExAC 0.04719.
gnomAD v4.1: 107,210 of 1,594,588 alleles (6.7%); highest among the groups gnomAD compares: Non-Finnish European, 8.3%; 4,336 homozygotes.

Submissions (2):

GeneDx
Classification: Benign. Last evaluated: 2018-06-16. Review status: criteria provided, single submitter. Criteria: GeneDx Variant Classification (06012015). Collection method: clinical testing. Allele origin: germline. Affected: yes.
Comment: This variant is considered likely benign or benign based on one or more of the following criteria: it is a conservative change, it occurs at a poorly conserved position in the protein, it is predicted to be benign by multiple in silico algorithms, and/or has population frequency not consistent with disease.

Breakthrough Genomics
Classification: Benign. Review status: criteria provided, single submitter. Criteria: ACMG Guidelines, 2015. Collection method: not provided. Allele origin: germline. Inheritance: Unknown mechanism. Affected: yes.

NM_001080779.2(MYO1C):c.2611-24T>C

Gene: MYO1C (myosin IC; minus strand). Cytogenetic location: 17p13.3.
Variant type: single nucleotide variant.
Coding change: c.2611-24T>C on transcript NM_001080779.2 (MANE Select); 24 bases into the intron before coding-DNA position 2611, T replaced by C.
Molecular consequence: intron variant.
Genome position (GRCh38, 1-based): chr17:1,468,520, A>G on the plus strand (T>C on the coding strand, the complement: MYO1C is on the minus strand). VCF-style: chr17-1468520-A-G. GRCh37 (hg19) VCF-style: chr17-1371814-A-G.
Other names: c.2506-24T>C (NM_033375.5); c.2554-24T>C (NM_001080950.2); c.2539-24T>C (NM_001363855.1).
Identifiers: ClinVar variation 682653 (VCV000682653.2), dbSNP rs45575936, ClinGen allele CA8266905.
Genomic context (GRCh38, chr17:1,468,520, plus strand): 5'-CCTTGAAGATCTCACTAGCCACGGCCTTCTGCTGCAGCTGAGGAGACAAGGGGGGTGAGG[A>G]GAGTGTCATGGTGGGGAGCACCATCTTGGGGGGGCAGAGCCAGCCTTAGGACCTGAGACA-3'